The following is an entry in ClinVar:

NM_001005242.3(PKP2):c.61A>G (p.Ile21Val)

Gene: PKP2 (plakophilin 2; minus strand). Cytogenetic location: 12p11.21.
Variant type: single nucleotide variant.
Coding change: c.61A>G on transcript NM_001005242.3 (MANE Select); coding-DNA position 61, A replaced by G.
Protein change: p.Ile21Val; replaces isoleucine 21 with valine.
Molecular consequence: missense variant. On other transcripts: 5 prime UTR variant (4).
Genome position (GRCh38, 1-based): chr12:32,896,671, T>C on the plus strand (A>G on the coding strand, the complement: PKP2 is on the minus strand). VCF-style: chr12-32896671-T-C. GRCh37 (hg19) VCF-style: chr12-33049605-T-C.
Other names: c.61A>G, p.Ile21Val (NM_001407155.1, NM_001407156.1, NM_001407157.1 and 2 more transcripts); c.-766A>G (NM_001407158.1, NM_001407162.1); c.-530A>G (NM_001407159.1, NM_001407160.1); short protein forms I21V.
Identifiers: ClinVar variation 4757714 (VCV004757714.1).

ClinVar aggregate classification (germline): Uncertain significance (1 of 4 stars; one submission).

Conditions:
Cardiomyopathy (CMYO). Also called: Cardiomyopathies. Identifiers: Orphanet 167848, MedGen C0878544, MONDO:0004994, HP:0001638. Inheritance: Various modes of inheritance.

Submission:

Color Diagnostics, LLC DBA Color Health
Classification: Uncertain significance for Cardiomyopathy. Last evaluated: 2025-07-25. Review status: criteria provided, single submitter. Criteria: ACMG Guidelines, 2015. Collection method: clinical testing. Allele origin: germline.
Comment: This missense variant replaces isoleucine with valine at codon 21 of the PKP2 protein. Computational prediction suggests that this variant may not impact protein structure and function. To our knowledge, functional studies have not been reported for this variant. This variant has not been reported in individuals affected with PKP2-related disorders in the literature. This variant has not been identified in the general population by the Genome Aggregation Database (gnomAD). The available evidence is insufficient to determine the role of this variant in disease conclusively. Therefore, this variant is classified as a Variant of Uncertain Significance.